The following is an entry in ClinVar:

ClinVar aggregate classification (germline): Conflicting classifications of pathogenicity. Review status: criteria provided, conflicting classifications (1 of 4 stars). 2 submissions from 2 submitters: Uncertain significance (1); Likely benign (1). Last evaluated 2023-12-04.

Conditions:
Hereditary cancer-predisposing syndrome. Also called: Neoplastic Syndromes, Hereditary; Tumor predisposition; Hereditary neoplastic syndrome; Hereditary Cancer Syndrome. Identifiers: Orphanet 140162, MedGen C0027672, MeSH D009386, MONDO:0015356.

Submissions (2):

Color Diagnostics, LLC DBA Color Health
Classification: Uncertain significance for Hereditary cancer-predisposing syndrome. Last evaluated: 2023-12-04. Review status: criteria provided, single submitter. Criteria: ACMG Guidelines, 2015. Collection method: clinical testing. Allele origin: germline.
Comment: This missense variant replaces asparagine with histidine at codon 2146 of the BRCA2 protein. Computational prediction suggests that this variant may not impact protein structure and function (internally defined REVEL score threshold <= 0.5, PMID: 27666373). To our knowledge, functional studies have not been reported for this variant. This variant has not been reported in individuals affected with BRCA2-related disorders in the literature. This variant has not been identified in the general population by the Genome Aggregation Database (gnomAD). The available evidence is insufficient to determine the role of this variant in disease conclusively. Therefore, this variant is classified as a Variant of Uncertain Significance.

University of Washington Department of Laboratory Medicine, University of Washington
Classification: Likely benign for Hereditary cancer-predisposing syndrome. Last evaluated: 2023-03-23. Review status: criteria provided, single submitter. Criteria: Dines et al. (Genet Med. 2020). Collection method: curation. Allele origin: germline.
Comment: Missense variant in a coldspot region where missense variants are very unlikely to be pathogenic (PMID:31911673).

BRCA2 exon 11 coldspot. Reclassification based on statistical prior probability.

NM_000059.4(BRCA2):c.6436A>C (p.Asn2146His)

Gene: BRCA2 (BRCA2 DNA repair associated; plus strand). Cytogenetic location: 13q13.1.
Variant type: single nucleotide variant.
Coding change: c.6436A>C on transcript NM_000059.4 (MANE Select); coding-DNA position 6436, A replaced by C.
Protein change: p.Asn2146His; replaces asparagine 2146 with histidine.
Molecular consequence: missense variant.
Genome position (GRCh38, 1-based): chr13:32,340,791, A>C. VCF-style: chr13-32340791-A-C. GRCh37 (hg19) VCF-style: chr13-32914928-A-C.
Other names: short protein forms N2146H.
Identifiers: ClinVar variation 628549 (VCV000628549.7), dbSNP rs1566234599, ClinGen allele CA387789301.
Genomic context (GRCh38, chr13:32,340,791, plus strand): 5'-TGCAGTAAAGAATTTAAATTATCAAATAACTTAAATGTTGAAGGTGGTTCTTCAGAAAAT[A>C]ATCACTCTATTAAAGTTTCTCCATATCTCTCTCAATTTCAACAAGACAAACAACAGTTGG-3'
Protein context (NP_000050.3, residues 2136-2156): LNVEGGSSEN[Asn2146His]HSIKVSPYLS